The following is an entry in ClinVar:

NM_014363.6(SACS):c.8634G>C (p.Gly2878=)

Gene: SACS (sacsin molecular chaperone; minus strand). Cytogenetic location: 13q12.12.
Variant type: single nucleotide variant.
Coding change: c.8634G>C on transcript NM_014363.6 (MANE Select); coding-DNA position 8634, G replaced by C.
Protein change: p.Gly2878=; no amino-acid change (glycine 2878 retained).
Molecular consequence: synonymous variant.
Genome position (GRCh38, 1-based): chr13:23,335,242, C>G on the plus strand (G>C on the coding strand, the complement: SACS is on the minus strand). VCF-style: chr13-23335242-C-G. GRCh37 (hg19) VCF-style: chr13-23909381-C-G.
Other names: p.Gly2878=; c.8193G>C, p.Gly2731= (NM_001278055.2).
Identifiers: ClinVar variation 1116409 (VCV001116409.10), dbSNP rs745677991, ClinGen allele CA6910737.
Genomic context (GRCh38, chr13:23,335,242, plus strand): 5'-ACGCCACAGGTTCCTTCTGGCTGAATCCAGTGCAAAGTGGCCATTCACATGAAATGGCAG[C>G]CCAGTCTCCAAAGAAAGAGGCAAAAAACAGAAGGCCCTATGGGGTTTTTTATAGTTGTGA-3'
Protein context (NP_055178.3, residues 2868-2888): FCFLPLSLET[Gly2878=]LPFHVNGHFA

ClinVar aggregate classification (germline): Likely benign. Review status: criteria provided, multiple submitters, no conflicts (2 of 4 stars). 2 submissions from 2 submitters: Likely benign (2). Last evaluated 2025-07-02.

Conditions:
Spastic paraplegia. Identifiers: MedGen C0037772, HP:0001258.

Allele frequency attached by ClinVar (database versions not stated): gnomAD exomes 0.00002 and 0.00001; gnomAD 0.00004 and 0.00003; TOPMed 0.00004; ExAC 0.00001.
gnomAD v4.1: 14 of 1,613,784 alleles (0.00087%); highest among the groups gnomAD compares: African/African-American, 0.015%; no homozygotes.

Submissions (2):

Mayo Clinic Laboratories, Mayo Clinic
Classification: Likely benign. Last evaluated: 2025-07-02. Review status: criteria provided, single submitter. Criteria: ACMG Guidelines, 2015. Collection method: clinical testing. Allele origin: germline. Observed: 1 variant allele.
Comment: BP4, BP7

Labcorp Genetics (formerly Invitae), Labcorp
Classification: Likely benign for Spastic paraplegia. Last evaluated: 2025-02-27. Review status: criteria provided, single submitter. Criteria: Invitae Variant Classification Sherloc (09022015). Collection method: clinical testing. Allele origin: germline.